The following is an entry in ClinVar:

NM_020937.4(FANCM):c.287T>C (p.Leu96Pro)

Gene: FANCM (FA complementation group M; plus strand). Cytogenetic location: 14q21.2.
Variant type: single nucleotide variant.
Coding change: c.287T>C on transcript NM_020937.4 (MANE Select); coding-DNA position 287, T replaced by C.
Protein change: p.Leu96Pro; replaces leucine 96 with proline.
Molecular consequence: missense variant.
Genome position (GRCh38, 1-based): chr14:45,136,318, T>C. VCF-style: chr14-45136318-T-C. GRCh37 (hg19) VCF-style: chr14-45605521-T-C.
Other names: c.287T>C, p.Leu96Pro (NM_001308133.2, NM_001308134.2); short protein forms L96P.
Identifiers: ClinVar variation 4841760 (VCV004841760.1).

ClinVar aggregate classification (germline): Uncertain significance (1 of 4 stars; one submission).

Conditions:
Inborn genetic diseases. Identifiers: MedGen C0950123, MeSH D030342.

Submission:

Ambry Genetics
Classification: Uncertain significance for Inborn genetic diseases. Last evaluated: 2026-01-03. Review status: criteria provided, single submitter. Criteria: Ambry Variant Classification Scheme 2023. Collection method: clinical testing. Allele origin: germline.
Comment: The p.L96P variant (also known as c.287T>C), located in coding exon 1 of the FANCM gene, results from a T to C substitution at nucleotide position 287. The leucine at codon 96 is replaced by proline, an amino acid with similar properties. This amino acid position is conserved. In addition, this alteration is predicted to be deleterious by in silico analysis. Based on the available evidence, the clinical significance of this variant remains unclear.